The following is an entry in ClinVar:

NM_001458.5(FLNC):c.1142G>A (p.Arg381His)

Gene: FLNC (filamin C; plus strand). Cytogenetic location: 7q32.1.
Variant type: single nucleotide variant.
Coding change: c.1142G>A on transcript NM_001458.5 (MANE Select); coding-DNA position 1142, G replaced by A.
Protein change: p.Arg381His; replaces arginine 381 with histidine.
Molecular consequence: missense variant.
Genome position (GRCh38, 1-based): chr7:128,838,361, G>A. VCF-style: chr7-128838361-G-A. GRCh37 (hg19) VCF-style: chr7-128478415-G-A.
Other names: c.1142G>A, p.Arg381His (NM_001127487.2); short protein forms R381H.
Identifiers: ClinVar variation 654981 (VCV000654981.57), dbSNP rs776469396, ClinGen allele CA4474244.

ClinVar aggregate classification (germline): Conflicting classifications of pathogenicity. Review status: criteria provided, conflicting classifications (1 of 4 stars). 7 submissions from 7 submitters: Uncertain significance (4); Likely benign (3). Last evaluated 2025-12-07.

Conditions:
Hypertrophic cardiomyopathy 26. Also called: Cardiomyopathy, familial hypertrophic, 26. Identifiers: Orphanet 75249, MedGen C4310749, MONDO:0014883, OMIM 617047.
Myofibrillar myopathy 5. Also called: Filaminopathy (type); FILAMINOPATHY, AUTOSOMAL DOMINANT. Identifiers: Orphanet 171445, MedGen C1836050, MONDO:0012289, OMIM 609524.
Distal myopathy with posterior leg and anterior hand involvement. Also called: WILLIAMS DISTAL MYOPATHY. Identifiers: Orphanet 63273, MedGen C3279722, MONDO:0013550, OMIM 614065.
Cardiovascular phenotype. Identifiers: MedGen CN230736.

Allele frequency attached by ClinVar (database versions not stated): TOPMed 0.00006; gnomAD 0.00007; ExAC 0.00008; gnomAD exomes 0.00008.

Submissions (7):

Labcorp Genetics (formerly Invitae), Labcorp
Classification: Likely benign for Distal myopathy with posterior leg and anterior hand involvement; Myofibrillar myopathy 5; Hypertrophic cardiomyopathy 26. Last evaluated: 2025-12-07. Review status: criteria provided, single submitter. Criteria: Invitae Variant Classification Sherloc (09022015). Collection method: clinical testing. Allele origin: germline.

Blueprint Genetics
Classification: Likely benign. Last evaluated: 2024-10-25. Review status: criteria provided, single submitter. Criteria: ACMG Guidelines, 2015. Collection method: clinical testing. Allele origin: germline.

Women's Health and Genetics/Laboratory Corporation of America, LabCorp
Classification: Likely benign. Last evaluated: 2024-06-19. Review status: criteria provided, single submitter. Criteria: LabCorp Variant Classification Summary - May 2015. Collection method: clinical testing. Allele origin: germline.
Comment: Variant summary: FLNC c.1142G>A (p.Arg381His) results in a non-conservative amino acid change in the encoded protein sequence. Five of five in-silico tools predict a damaging effect of the variant on protein function. The variant allele was found at a frequency of 8.4e-05 in 249530 control chromosomes, predominantly at a frequency of 0.00018 within the Non-Finnish European subpopulation in the gnomAD database. The observed variant frequency within Non-Finnish European control individuals in the gnomAD database is approximately 16.2 fold of the estimated maximal expected allele frequency for a pathogenic variant in FLNC causing Cardiomyopathy phenotype (1.1e-05). To our knowledge, no occurrence of c.1142G>A in individuals affected with Cardiomyopathy and no experimental evidence demonstrating its impact on protein function have been reported. ClinVar contains an entry for this variant (Variation ID: 654981). Based on the evidence outlined above, the variant was classified as likely benign.

Ambry Genetics
Classification: Uncertain significance for Cardiovascular phenotype. Last evaluated: 2024-01-06. Review status: criteria provided, single submitter. Criteria: Ambry Variant Classification Scheme 2023. Collection method: clinical testing. Allele origin: germline.
Comment: The p.R381H variant (also known as c.1142G>A), located in coding exon 7 of the FLNC gene, results from a G to A substitution at nucleotide position 1142. The arginine at codon 381 is replaced by histidine, an amino acid with highly similar properties. This amino acid position is not well conserved in available vertebrate species, and histidine is the reference amino acid in other vertebrate species. In addition, this alteration is predicted to be tolerated by in silico analysis. Since supporting evidence is limited at this time, the clinical significance of this alteration remains unclear.

Fulgent Genetics
Classification: Uncertain significance for Myofibrillar myopathy 5; Distal myopathy with posterior leg and anterior hand involvement; Hypertrophic cardiomyopathy 26. Last evaluated: 2021-09-01. Review status: criteria provided, single submitter. Criteria: ACMG Guidelines, 2015. Collection method: clinical testing. Allele origin: unknown.

Revvity Omics, Revvity
Classification: Uncertain significance. Last evaluated: 2021-03-10. Review status: criteria provided, single submitter. Criteria: ACMG Guidelines, 2015. Collection method: clinical testing. Allele origin: germline.

CeGaT Center for Human Genetics Tuebingen
Classification: Uncertain significance. Last evaluated: 2016-06-01. Review status: criteria provided, single submitter. Criteria: CeGaT Center For Human Genetics Tuebingen Variant Classification Criteria Version 2. Collection method: clinical testing. Allele origin: germline. Affected: yes. Observed: 1 variant allele.